The following is an entry in ClinVar:

ClinVar aggregate classification (germline): Uncertain significance (1 of 4 stars; one submission).

Allele frequency attached by ClinVar (database versions not stated): gnomAD exomes below 0.00001; ExAC 0.00001; gnomAD 0.00001; TOPMed 0.00001; 1000 Genomes Project 30x 0.00016; 1000 Genomes Project 0.00020.
gnomAD v4.1: 6 of 1,614,148 alleles (0.00037%); highest among the groups gnomAD compares: South Asian, 0.0066%; no homozygotes.

Submission:

Labcorp Genetics (formerly Invitae), Labcorp
Classification: Uncertain significance. Last evaluated: 2022-09-19. Review status: criteria provided, single submitter. Criteria: Invitae Variant Classification Sherloc (09022015). Collection method: clinical testing. Allele origin: germline.
Comment: This variant is present in population databases (rs575371364, gnomAD 0.003%). This variant has not been reported in the literature in individuals affected with CDHR1-related conditions. ClinVar contains an entry for this variant (Variation ID: 1525134). Advanced modeling of protein sequence and biophysical properties (such as structural, functional, and spatial information, amino acid conservation, physicochemical variation, residue mobility, and thermodynamic stability) performed at Invitae indicates that this missense variant is not expected to disrupt CDHR1 protein function. In summary, the available evidence is currently insufficient to determine the role of this variant in disease. Therefore, it has been classified as a Variant of Uncertain Significance. This sequence change replaces threonine, which is neutral and polar, with serine, which is neutral and polar, at codon 56 of the CDHR1 protein (p.Thr56Ser).

NM_033100.4(CDHR1):c.166A>T (p.Thr56Ser)

Gene: CDHR1 (cadherin related family member 1; plus strand). Cytogenetic location: 10q23.1.
Variant type: single nucleotide variant.
Coding change: c.166A>T on transcript NM_033100.4 (MANE Select); coding-DNA position 166, A replaced by T.
Protein change: p.Thr56Ser; replaces threonine 56 with serine.
Molecular consequence: missense variant.
Genome position (GRCh38, 1-based): chr10:84,196,519, A>T. VCF-style: chr10-84196519-A-T. GRCh37 (hg19) VCF-style: chr10-85956275-A-T.
Other names: c.166A>T, p.Thr56Ser (NM_001171971.3); short protein forms T56S.
Identifiers: ClinVar variation 1525134 (VCV001525134.6), dbSNP rs575371364, ClinGen allele CA5579453.
Genomic context (GRCh38, chr10:84,196,519, plus strand): 5'-AAGTTGGGTCTCAGATTCTATGTCTCTCCACTGTGTTTCCTTCCAGGCTCTCACGTATAC[A>T]CCCTGAATGGGACAGACCCTGAGGGAGACCCCATCTCCTACCACATCAGCTTTGACCCCA-3'
Protein context (NP_149091.1, residues 46-66): EDTPVGSHVY[Thr56Ser]LNGTDPEGDP